The following is an entry in ClinVar:

ClinVar aggregate classification (germline): Uncertain significance (1 of 4 stars; one submission).

Allele frequency attached by ClinVar (database versions not stated): TOPMed 0.00001.

Submission:

Labcorp Genetics (formerly Invitae), Labcorp
Classification: Uncertain significance. Last evaluated: 2023-08-04. Review status: criteria provided, single submitter. Criteria: Invitae Variant Classification Sherloc (09022015). Collection method: clinical testing. Allele origin: germline.
Comment: In summary, the available evidence is currently insufficient to determine the role of this variant in disease. Therefore, it has been classified as a Variant of Uncertain Significance. Advanced modeling of protein sequence and biophysical properties (such as structural, functional, and spatial information, amino acid conservation, physicochemical variation, residue mobility, and thermodynamic stability) performed at Invitae indicates that this missense variant is expected to disrupt EMC1 protein function. ClinVar contains an entry for this variant (Variation ID: 1059599). This variant has not been reported in the literature in individuals affected with EMC1-related conditions. This variant is not present in population databases (gnomAD no frequency). This sequence change replaces tyrosine, which is neutral and polar, with cysteine, which is neutral and slightly polar, at codon 23 of the EMC1 protein (p.Tyr23Cys).

NM_015047.3(EMC1):c.68A>G (p.Tyr23Cys)

Gene: EMC1 (ER membrane protein complex subunit 1; minus strand). Cytogenetic location: 1p36.13.
Variant type: single nucleotide variant.
Coding change: c.68A>G on transcript NM_015047.3 (MANE Select); coding-DNA position 68, A replaced by G.
Protein change: p.Tyr23Cys; replaces tyrosine 23 with cysteine.
Molecular consequence: missense variant.
Genome position (GRCh38, 1-based): chr1:19,251,442, T>C on the plus strand (A>G on the coding strand, the complement: EMC1 is on the minus strand). VCF-style: chr1-19251442-T-C. GRCh37 (hg19) VCF-style: chr1-19577936-T-C.
Other names: c.68A>G, p.Tyr23Cys (NM_001271427.2, NM_001271428.2, NM_001271429.2 and 2 more transcripts); short protein forms Y23C.
Identifiers: ClinVar variation 1059599 (VCV001059599.9), dbSNP rs2093658959, ClinGen allele CA338775609.